The following is an entry in ClinVar:

ClinVar aggregate classification (germline): Likely benign. Review status: criteria provided, multiple submitters, no conflicts (2 of 4 stars). 2 submissions from 2 submitters: Likely benign (2). Last evaluated 2023-10-02.

Conditions:
Breast-ovarian cancer, familial, susceptibility to, 1 (BROVCA1). Also called: BRCA1 Hereditary Breast and Ovarian Cancer; OVARIAN CANCER, SUSCEPTIBILITY TO. Identifiers: Orphanet 145, MedGen C2676676, MONDO:0011450, OMIM 604370. Disease mechanism: loss of function.
Hereditary cancer-predisposing syndrome. Also called: Tumor predisposition; Hereditary Cancer Syndrome; Hereditary neoplastic syndrome; Neoplastic Syndromes, Hereditary. Identifiers: Orphanet 140162, MedGen C0027672, MeSH D009386, MONDO:0015356.

Submissions (2):

All of Us Research Program, National Institutes of Health
Classification: Likely benign for Breast-ovarian cancer, familial, susceptibility to, 1. Last evaluated: 2023-10-02. Review status: criteria provided, single submitter. Criteria: ACMG Guidelines, 2015. Collection method: clinical testing. Allele origin: germline. Inheritance: Autosomal dominant inheritance. Observed: 1 variant allele, 1 heterozygote.
Comment: This study involves interpretation of variants in research participants for the purpose of population health screening. Participant phenotype was not available at the time of variant classification. Additional details can be found in publication PMID: 35346344, PMCID: PMC8962531

Color Diagnostics, LLC DBA Color Health
Classification: Likely benign for Hereditary cancer-predisposing syndrome. Last evaluated: 2023-08-09. Review status: criteria provided, single submitter. Criteria: ACMG Guidelines, 2015. Collection method: clinical testing. Allele origin: germline.

NM_007294.4(BRCA1):c.4788A>C (p.Ser1596=)

Gene: BRCA1 (BRCA1 DNA repair associated; minus strand). Cytogenetic location: 17q21.31.
Variant type: single nucleotide variant.
Coding change: c.4788A>C on transcript NM_007294.4 (MANE Select); coding-DNA position 4788, A replaced by C.
Protein change: p.Ser1596=; no amino-acid change (serine 1596 retained).
Molecular consequence: synonymous variant. On other transcripts: intron variant (1).
Genome position (GRCh38, 1-based): chr17:43,071,126, T>G on the plus strand (A>C on the coding strand, the complement: BRCA1 is on the minus strand). VCF-style: chr17-43071126-T-G. GRCh37 (hg19) VCF-style: chr17-41223143-T-G.
Other names: c.4851A>C, p.Ser1617= (NM_001407585.1, NM_001407587.1, NM_007300.4 and 1 more transcripts); c.4848A>C, p.Ser1616= (NM_001407590.1, NM_001407591.1); c.4788A>C, p.Ser1596= (NM_001407593.1, NM_001407594.1, NM_001407596.1 and 8 more transcripts); c.4785A>C, p.Ser1595= (NM_001407610.1, NM_001407611.1, NM_001407612.1 and 17 more transcripts); c.4782A>C, p.Ser1594= (NM_001407627.1, NM_001407628.1, NM_001407629.1 and 14 more transcripts); c.4707A>C, p.Ser1569= (NM_001407658.1, NM_001407656.1, NM_001407657.1); c.4704A>C, p.Ser1568= (NM_001407659.1, NM_001407660.1, NM_001407661.1 and 2 more transcripts); c.4665A>C, p.Ser1555= (NM_001407664.1, NM_001407665.1, NM_001407666.1 and 6 more transcripts); and 71 more.
Identifiers: ClinVar variation 2774829 (VCV002774829.3), dbSNP rs2153845295, ClinGen allele CA500231839.
Genomic context (GRCh38, chr17:43,071,126, plus strand): 5'-AGCAGCTGGACTCTGGGCAGATTCTGCAACTTTCAATTGGGGAACTTTCAATGCAGAGGT[T>G]GAAGATGGTATGTTGCCAACACGAGCTGACTCTGGGGCTCTGTCTTCAGAAGGATCAGAT-3'
Protein context (NP_009225.1, residues 1586-1606): ESARVGNIPS[Ser1596=]TSALKVPQLK